The following is an entry in ClinVar:

ClinVar aggregate classification (germline): Uncertain significance. Review status: criteria provided, multiple submitters, no conflicts (2 of 4 stars). 5 submissions from 4 submitters: Uncertain significance (5). Last evaluated 2025-03-28.

Conditions:
Charcot-Marie-Tooth disease type 4J (CMT4J). Also called: Charcot-Marie-Tooth Neuropathy Type 4J; CHARCOT-MARIE-TOOTH DISEASE, AUTOSOMAL RECESSIVE, TYPE 4J; CHARCOT-MARIE-TOOTH DISEASE, DEMYELINATING, TYPE 4J. Identifiers: Orphanet 139515, MedGen C1970011, MONDO:0012640, OMIM 611228.
Charcot-Marie-Tooth disease type 4. Also called: Charcot-Marie-Tooth, Type 4; Charcot-Marie-Tooth disease, type IV. Identifiers: Orphanet 64749, MedGen C4082197, MONDO:0018995.
Inborn genetic diseases. Identifiers: MedGen C0950123, MeSH D030342.
Amyotrophic lateral sclerosis type 11 (ALS11). Identifiers: Orphanet 803, MedGen C2675491, MONDO:0012945, OMIM 612577.

Allele frequency attached by ClinVar (database versions not stated): ExAC 0.00002; gnomAD exomes 0.00004; gnomAD 0.00005 and 0.00006; ESP Exome Variant Server 0.00008; TOPMed 0.00008.
gnomAD v4.1: 57 of 1,605,914 alleles (0.0035%); highest among the groups gnomAD compares: African/African-American, 0.0067%; no homozygotes.

Submissions (5):

Ambry Genetics
Classification: Uncertain significance for Inborn genetic diseases. Last evaluated: 2025-03-28. Review status: criteria provided, single submitter. Criteria: Ambry Variant Classification Scheme 2023. Collection method: clinical testing. Allele origin: germline.

Labcorp Genetics (formerly Invitae), Labcorp
Classification: Uncertain significance for Charcot-Marie-Tooth disease type 4. Last evaluated: 2024-10-15. Review status: criteria provided, single submitter. Criteria: Invitae Variant Classification Sherloc (09022015). Collection method: clinical testing. Allele origin: germline.
Comment: This sequence change replaces arginine, which is basic and polar, with cysteine, which is neutral and slightly polar, at codon 37 of the FIG4 protein (p.Arg37Cys). This variant is present in population databases (rs368625871, gnomAD 0.008%). This variant has not been reported in the literature in individuals affected with FIG4-related conditions. ClinVar contains an entry for this variant (Variation ID: 543424). An algorithm developed to predict the effect of missense changes on protein structure and function (PolyPhen-2) suggests that this variant is likely to be disruptive. In summary, the available evidence is currently insufficient to determine the role of this variant in disease. Therefore, it has been classified as a Variant of Uncertain Significance.

GeneDx
Classification: Uncertain significance. Last evaluated: 2024-04-22. Review status: criteria provided, single submitter. Criteria: GeneDx Variant Classification Process June 2021. Collection method: clinical testing. Allele origin: germline. Affected: yes.
Comment: Not observed at significant frequency in large population cohorts (gnomAD); In silico analysis supports that this missense variant has a deleterious effect on protein structure/function; Has not been previously published as pathogenic or benign to our knowledge

Illumina Laboratory Services, Illumina
Classification: Uncertain significance for Charcot-Marie-Tooth disease type 4J. Last evaluated: 2018-03-30. Review status: criteria provided, single submitter. Criteria: ICSL Variant Classification Criteria 13 December 2019. Collection method: clinical testing. Allele origin: germline.

Illumina Laboratory Services, Illumina
Classification: Uncertain significance for Amyotrophic lateral sclerosis type 11. Last evaluated: 2018-03-30. Review status: criteria provided, single submitter. Criteria: ICSL Variant Classification Criteria 13 December 2019. Collection method: clinical testing. Allele origin: germline.

NM_014845.6(FIG4):c.109C>T (p.Arg37Cys)

Gene: FIG4 (FIG4 phosphoinositide 5-phosphatase; plus strand). Cytogenetic location: 6q21.
Variant type: single nucleotide variant.
Coding change: c.109C>T on transcript NM_014845.6 (MANE Select); coding-DNA position 109, C replaced by T.
Protein change: p.Arg37Cys; replaces arginine 37 with cysteine.
Molecular consequence: missense variant.
Genome position (GRCh38, 1-based): chr6:109,715,120, C>T. VCF-style: chr6-109715120-C-T. GRCh37 (hg19) VCF-style: chr6-110036323-C-T.
Other names: short protein forms R37C.
Identifiers: ClinVar variation 543424 (VCV000543424.17), dbSNP rs368625871, ClinGen allele CA3955674.
Genomic context (GRCh38, chr6:109,715,120, plus strand): 5'-ATTCCTTTTTATTTATAGAGATACTTTCTAGTTGGGAGCAATAATGCAGAAACGAAATAT[C>T]GTGTCTTGAAGATTGATAGAACAGAACCAAAAGATTTGGTCATAATTGATGACAGGGTAA-3'
Protein context (NP_055660.1, residues 27-47): VGSNNAETKY[Arg37Cys]VLKIDRTEPK